The following is an entry in ClinVar:

ClinVar aggregate classification (germline): Pathogenic (1 of 4 stars; one submission).

Conditions:
Familial cancer of breast. Also called: hereditary breast carcinoma; Hereditary breast cancer; BREAST CANCER, FAMILIAL. Identifiers: Orphanet 227535, MedGen C0346153, MONDO:0016419, OMIM 114480. Disease mechanism: loss of function.

Submission:

Labcorp Genetics (formerly Invitae), Labcorp
Classification: Pathogenic for Familial cancer of breast. Last evaluated: 2019-11-10. Review status: criteria provided, single submitter. Criteria: Invitae Variant Classification Sherloc (09022015). Collection method: clinical testing. Allele origin: germline.
Comment: For these reasons, this variant has been classified as Pathogenic. Loss-of-function variants in CHEK2 are known to be pathogenic (PMID: 21876083, 24713400). This variant has not been reported in the literature in individuals with CHEK2-related conditions. This variant is not present in population databases (ExAC no frequency). This sequence change creates a premature translational stop signal (p.Ser398Leufs*16) in the CHEK2 gene. It is expected to result in an absent or disrupted protein product.

Literature cited by the submitters: PubMed 21876083; PubMed 24713400.

NM_007194.4(CHEK2):c.1193del (p.Ser398fs)

Gene: CHEK2 (checkpoint kinase 2; minus strand). Cytogenetic location: 22q12.1.
Variant type: Deletion.
Coding change: c.1193del on transcript NM_007194.4 (MANE Select); coding-DNA position 1193, one base deleted (C; older notation c.1193delC).
Protein change: p.Ser398fs; shifts the reading frame from serine 398.
Molecular consequence: frameshift variant.
Genome position (GRCh38, 1-based): chr22:28,695,776, G deleted on the plus strand (C on the coding strand, the reverse complement: CHEK2 is on the minus strand). VCF-style (leftmost placement, unchanged base first): chr22-28695775-AG-A. GRCh37 (hg19) VCF-style: chr22-29091763-AG-A.
Other names: c.1322delC, p.Ser441Leufs (NM_001005735.3); c.530delC, p.Ser177Leufs (NM_001257387.3); c.992delC, p.Ser331Leufs (NM_001349956.3); c.1106delC, p.Ser369Leufs (NM_145862.3); short protein forms S369fs, S441fs, S331fs, S398fs, S177fs.
Identifiers: ClinVar variation 955562 (VCV000955562.8), dbSNP rs2052556835, ClinGen allele CA1139667019.